The following is an entry in ClinVar:

NM_000466.3(PEX1):c.1609A>G (p.Lys537Glu)

Gene: PEX1 (peroxisomal biogenesis factor 1; minus strand). Cytogenetic location: 7q21.2.
Variant type: single nucleotide variant.
Coding change: c.1609A>G on transcript NM_000466.3 (MANE Select); coding-DNA position 1609, A replaced by G.
Protein change: p.Lys537Glu; replaces lysine 537 with glutamic acid.
Molecular consequence: missense variant.
Genome position (GRCh38, 1-based): chr7:92,509,390, T>C on the plus strand (A>G on the coding strand, the complement: PEX1 is on the minus strand). VCF-style: chr7-92509390-T-C. GRCh37 (hg19) VCF-style: chr7-92138704-T-C.
Other names: c.1609A>G, p.Lys537Glu (NM_001282677.2); c.985A>G, p.Lys329Glu (NM_001282678.2); short protein forms K329E, K537E.
Identifiers: ClinVar variation 1002729 (VCV001002729.12), dbSNP rs1378023176, ClinGen allele CA368188398.
Genomic context (GRCh38, chr7:92,509,390, plus strand): 5'-CCAAAGAGCTCAGCTTTAAAAAAGGAAGAATAAAGTCAATTTCCTCACTGTTTTCTTCTT[T>C]TACCATAGGATCTAGAAGGACCTACAGTTGCAAGGAAAAATCAGTTTTACATTTCAAAGT-3'
Protein context (NP_000457.1, residues 527-547): TIQVLLDPMV[Lys537Glu]EENSEEIDFI

ClinVar aggregate classification (germline): Uncertain significance. Review status: criteria provided, single submitter (1 of 4 stars). 2 submissions from 2 submitters: Uncertain significance (1). 1 of the submissions does not count toward it. Last evaluated 2025-02-17.

Conditions:
Zellweger spectrum disorders (ZS). Also called: Zellweger syndrome; Zellweger Spectrum Disorder; Zellweger Spectrum; Zellweger Spectrum Disorder (ZSD). Identifiers: Orphanet 912, MedGen C0043459, MONDO:0019609.

Allele frequency attached by ClinVar (database versions not stated): gnomAD exomes below 0.00001; gnomAD 0.00001; TOPMed 0.00001.

Submissions (2):

Labcorp Genetics (formerly Invitae), Labcorp
Classification: Uncertain significance for Zellweger spectrum disorders. Last evaluated: 2025-02-17. Review status: criteria provided, single submitter. Criteria: Invitae Variant Classification Sherloc (09022015). Collection method: clinical testing. Allele origin: germline.
Comment: This sequence change replaces lysine, which is basic and polar, with glutamic acid, which is acidic and polar, at codon 537 of the PEX1 protein (p.Lys537Glu). This variant is not present in population databases (gnomAD no frequency). This variant has not been reported in the literature in individuals affected with PEX1-related conditions. ClinVar contains an entry for this variant (Variation ID: 1002729). Invitae Evidence Modeling of protein sequence and biophysical properties (such as structural, functional, and spatial information, amino acid conservation, physicochemical variation, residue mobility, and thermodynamic stability) indicates that this missense variant is not expected to disrupt PEX1 protein function with a negative predictive value of 95%. In summary, the available evidence is currently insufficient to determine the role of this variant in disease. Therefore, it has been classified as a Variant of Uncertain Significance.

Natera, Inc.
Classification: Uncertain significance for Zellweger syndrome. Last evaluated: 2019-12-17. Review status: no assertion criteria provided. Collection method: clinical testing. Allele origin: germline. Not counted in ClinVar's aggregate classification.